The following is an entry in ClinVar:

ClinVar aggregate classification (germline): Uncertain significance. Review status: criteria provided, multiple submitters, no conflicts (2 of 4 stars). 2 submissions from 2 submitters: Uncertain significance (2). Last evaluated 2025-01-20.

gnomAD v4.1: 5 of 1,613,168 alleles (0.00031%); highest among the groups gnomAD compares: Middle Eastern, 0.017%; no homozygotes.

Submissions (2):

Labcorp Genetics (formerly Invitae), Labcorp
Classification: Uncertain significance. Last evaluated: 2025-01-20. Review status: criteria provided, single submitter. Criteria: Invitae Variant Classification Sherloc (09022015). Collection method: clinical testing. Allele origin: germline.
Comment: This sequence change replaces glycine, which is neutral and non-polar, with aspartic acid, which is acidic and polar, at codon 1668 of the USH2A protein (p.Gly1668Asp). This variant is not present in population databases (gnomAD no frequency). This variant has not been reported in the literature in individuals affected with USH2A-related conditions. Invitae Evidence Modeling of protein sequence and biophysical properties (such as structural, functional, and spatial information, amino acid conservation, physicochemical variation, residue mobility, and thermodynamic stability) indicates that this missense variant is expected to disrupt USH2A protein function with a positive predictive value of 80%. In summary, the available evidence is currently insufficient to determine the role of this variant in disease. Therefore, it has been classified as a Variant of Uncertain Significance.

Blueprint Genetics
Classification: Uncertain significance. Last evaluated: 2019-07-30. Review status: criteria provided, single submitter. Criteria: ACMG Guidelines, 2015. Collection method: clinical testing. Allele origin: germline.

NM_206933.4(USH2A):c.5003G>A (p.Gly1668Asp)

Genes: USH2A (usherin; minus strand), USH2A-AS2 (USH2A antisense RNA 2; plus strand). Cytogenetic location: 1q41.
Variant type: single nucleotide variant.
Coding change: c.5003G>A on transcript NM_206933.4 (MANE Select); coding-DNA position 5003, G replaced by A.
Protein change: p.Gly1668Asp; replaces glycine 1668 with aspartic acid.
Molecular consequence: missense variant.
Genome position (GRCh38, 1-based): chr1:216,084,862, C>T on the plus strand (G>A on the coding strand, the complement: USH2A is on the minus strand). VCF-style: chr1-216084862-C-T. GRCh37 (hg19) VCF-style: chr1-216258204-C-T.
Other names: short protein forms G1668D.
Identifiers: ClinVar variation 3702859 (VCV003702859.3).